The following is an entry in ClinVar:

ClinVar aggregate classification (germline): Uncertain significance. Review status: criteria provided, multiple submitters, no conflicts (2 of 4 stars). 2 submissions from 2 submitters: Uncertain significance (2). Last evaluated 2025-03-19.

Conditions:
Cutis laxa, autosomal recessive, type 2E. Also called: CUTIS LAXA, AUTOSOMAL RECESSIVE, TYPE IIE. Identifiers: MedGen C5561944, MONDO:0030337, OMIM 619451.

Allele frequency attached by ClinVar (database versions not stated): gnomAD exomes 0.00003; ExAC 0.00008; 1000 Genomes Project 0.00020; ESP Exome Variant Server 0.00023; gnomAD 0.00031; TOPMed 0.00044; 1000 Genomes Project 30x 0.00047.
gnomAD v4.1: 96 of 1,612,794 alleles (0.006%); highest among the groups gnomAD compares: African/African-American, 0.11%; no homozygotes.

Submissions (2):

Laboratorio de Genetica e Diagnostico Molecular, Hospital Israelita Albert Einstein
Classification: Uncertain significance for Cutis laxa, autosomal recessive, type 2E. Last evaluated: 2025-03-19. Review status: criteria provided, single submitter. Criteria: ACMG Guidelines, 2015. Collection method: clinical testing. Allele origin: germline. Affected: yes.
Comment: ACMG classification criteria: PM2 supporting, BP4 supporting

Ambry Genetics
Classification: Uncertain significance. Last evaluated: 2024-09-27. Review status: criteria provided, single submitter. Criteria: Ambry Variant Classification Scheme 2023. Collection method: clinical testing. Allele origin: germline.

NM_206943.4(LTBP1):c.4538A>G (p.Asn1513Ser)

Gene: LTBP1 (latent transforming growth factor beta binding protein 1; plus strand). Cytogenetic location: 2p22.3.
Variant type: single nucleotide variant.
Coding change: c.4538A>G on transcript NM_206943.4 (MANE Select); coding-DNA position 4538, A replaced by G.
Protein change: p.Asn1513Ser; replaces asparagine 1513 with serine.
Molecular consequence: missense variant.
Genome position (GRCh38, 1-based): chr2:33,364,354, A>G. VCF-style: chr2-33364354-A-G. GRCh37 (hg19) VCF-style: chr2-33589421-A-G.
Other names: c.3560A>G, p.Asn1187Ser (NM_000627.4); c.3434A>G, p.Asn1145Ser (NM_001166264.2, NM_001394909.1); c.3401A>G, p.Asn1134Ser (NM_001166265.2); c.3275A>G, p.Asn1092Ser (NM_001166266.2, NM_001394920.1); c.4379A>G, p.Asn1460Ser (NM_001394905.1); c.3557A>G, p.Asn1186Ser (NM_001394906.1); c.3473A>G, p.Asn1158Ser (NM_001394907.1); c.3440A>G, p.Asn1147Ser (NM_001394908.1); and 13 more; short protein forms N1096S, N1147S, N1460S, N1044S, N1092S, N1097S, N1133S, N1186S.
Identifiers: ClinVar variation 2366068 (VCV002366068.4), dbSNP rs139267139, ClinGen allele CA1608164.
Genomic context (GRCh38, chr2:33,364,354, plus strand): 5'-GTACTCACCCCATGGTCCTGGATGCGTCAGAAAAAAGATGTATACGACCGGCTGAGTCAA[A>G]CGGTATGTTTCCAGGAGATGCAAACCTGTGTCCAAATAACTATCATAAGATTTTCCTTTT-3'
Protein context (NP_996826.3, residues 1503-1523): EKRCIRPAES[Asn1513Ser]EQIEETDVYQ